The following is an entry in ClinVar:

NM_000051.4(ATM):c.7564C>T (p.Gln2522Ter)

Genes: ATM (ATM serine/threonine kinase; plus strand), C11orf65 (chromosome 11 open reading frame 65; minus strand). Cytogenetic location: 11q22.3.
Variant type: single nucleotide variant.
Coding change: c.7564C>T on transcript NM_000051.4 (MANE Select); coding-DNA position 7564, C replaced by T.
Protein change: p.Gln2522Ter; replaces glutamine 2522 with a stop codon.
Molecular consequence: nonsense. On other transcripts: non-coding transcript variant (1), intron variant (2).
Genome position (GRCh38, 1-based): chr11:108,331,492, C>T. VCF-style: chr11-108331492-C-T. GRCh37 (hg19) VCF-style: chr11-108202219-C-T.
Other names: c.7564C>T, p.Gln2522Ter (NM_001351834.2); c.641-22421G>A (NM_001330368.2); c.*38+3728G>A (NM_001351110.2); short protein forms Q2522*.
Identifiers: ClinVar variation 2625009 (VCV002625009.4), dbSNP rs1591167598, ClinGen allele CA382560736.

ClinVar aggregate classification (germline): Pathogenic. Review status: criteria provided, multiple submitters, no conflicts (2 of 4 stars). 3 submissions from 3 submitters: Pathogenic (3). Last evaluated 2025-06-18.

Conditions:
Familial cancer of breast. Also called: BREAST CANCER, FAMILIAL; Hereditary breast cancer; hereditary breast carcinoma. Identifiers: Orphanet 227535, MedGen C0346153, MONDO:0016419, OMIM 114480. Disease mechanism: loss of function.
Hereditary cancer-predisposing syndrome. Also called: Hereditary Cancer Syndrome; Hereditary neoplastic syndrome; Neoplastic Syndromes, Hereditary; Tumor predisposition. Identifiers: Orphanet 140162, MedGen C0027672, MeSH D009386, MONDO:0015356.

Submissions (3):

Myriad Genetics, Inc.
Classification: Pathogenic for Familial cancer of breast. Last evaluated: 2025-06-18. Review status: criteria provided, single submitter. Criteria: Myriad Autosomal Dominant, Autosomal Recessive and X-Linked Classification Criteria (2023). Collection method: clinical testing. Allele origin: unknown.
Comment: This variant is considered pathogenic. This variant creates a termination codon and is predicted to result in premature protein truncation.

Ambry Genetics
Classification: Pathogenic for Hereditary cancer-predisposing syndrome. Last evaluated: 2023-07-31. Review status: criteria provided, single submitter. Criteria: Ambry Variant Classification Scheme 2023. Collection method: clinical testing. Allele origin: germline.
Comment: The p.Q2522* pathogenic mutation (also known as c.7564C>T), located in coding exon 50 of the ATM gene, results from a C to T substitution at nucleotide position 7564. This changes the amino acid from a glutamine to a stop codon within coding exon 50. This variant is considered to be rare based on population cohorts in the Genome Aggregation Database (gnomAD). This alteration is expected to result in loss of function by premature protein truncation or nonsense-mediated mRNA decay. As such, this alteration is interpreted as a disease-causing mutation.

Color Diagnostics, LLC DBA Color Health
Classification: Pathogenic for Hereditary cancer-predisposing syndrome. Last evaluated: 2023-03-21. Review status: criteria provided, single submitter. Criteria: ACMG Guidelines, 2015. Collection method: clinical testing. Allele origin: germline.
Comment: This variant changes 1 nucleotide in exon 51 of the ATM gene, creating a premature translation stop signal. This variant is expected to result in an absent or non-functional protein product. To our knowledge, this variant has not been reported in individuals affected with ATM-related disorders in the literature. This variant has not been identified in the general population by the Genome Aggregation Database (gnomAD). Loss of ATM function is a known mechanism of disease. Based on the available evidence, this variant is classified as Pathogenic.